The following is an entry in ClinVar:

NM_000492.4(CFTR):c.3199G>A (p.Ala1067Thr)

Genes: CFTR (CF transmembrane conductance regulator; plus strand), CFTR-AS2 (CFTR antisense RNA 2; minus strand), LOC111674472 (DNase I hypersensitive sites in introns 16 and 17a of CFTR; plus strand). Cytogenetic location: 7q31.2.
Variant type: single nucleotide variant.
Coding change: c.3199G>A on transcript NM_000492.4 (MANE Select); coding-DNA position 3199, G replaced by A.
Protein change: p.Ala1067Thr; replaces alanine 1067 with threonine.
Molecular consequence: missense variant.
Genome position (GRCh38, 1-based): chr7:117,611,640, G>A. VCF-style: chr7-117611640-G-A. GRCh37 (hg19) VCF-style: chr7-117251694-G-A.
Other names: short protein forms A1067T.
Identifiers: ClinVar variation 7159 (VCV000007159.21), dbSNP rs121909020, ClinGen allele CA221024.

ClinVar aggregate classification (germline): drug response. Review status: reviewed by expert panel (3 of 4 stars). 10 submissions from 10 submitters: drug response (1). 9 of the submissions do not count toward it. Last evaluated 2021-03-24.

Conditions:
CFTR-related disorder (CFTR-RD). Also called: CFTR-related condition; CFTR-related disorders. Identifiers: MedGen C5924204, MONDO:7770004.
Cystic fibrosis (CF). Also called: MUCOVISCIDOSIS. Identifiers: Orphanet 586, MedGen C0010674, MONDO:0009061, OMIM 219700. Disease mechanism: loss of function.
ivacaftor response - Efficacy. Identifiers: MedGen CN322735.

Allele frequency attached by ClinVar (database versions not stated): gnomAD exomes below 0.00001.
gnomAD v4.1: 21 of 1,613,442 alleles (0.0013%); highest among the groups gnomAD compares: Non-Finnish European, 0.0018%; no homozygotes.

Submissions (10):

ClinPGx
Classification: drug response for ivacaftor response - Efficacy. Last evaluated: 2021-03-24. Review status: reviewed by expert panel. Criteria: Pharmacogenomics knowledge for personalized medicine. Collection method: curation. Allele origin: germline. Affected: yes.
Comment: PharmGKB Level of Evidence 1A: Level 1A clinical annotations describe variant-drug combinations that have variant-specific prescribing guidance available in a current clinical guideline annotation or an FDA-approved drug label annotation. Annotations of drug labels or clinical guidelines must give prescribing guidance for specific variants (e.g. CYP2C9*3, HLA-B*57:01) or provide mapping from defined allele functions to diplotypes and phenotypes to be used as supporting evidence for a level 1A clinical annotation. Level 1A clinical annotations must also be supported by at least one publication in addition to a clinical guideline or drug label with variant-specific prescribing guidance.

Drug is not necessarily used to treat response condition

Labcorp Genetics (formerly Invitae), Labcorp
Classification: Uncertain significance for Cystic fibrosis. Last evaluated: 2025-12-10. Review status: criteria provided, single submitter. Criteria: Invitae Variant Classification Sherloc (09022015). Collection method: clinical testing. Allele origin: germline. Not counted in ClinVar's aggregate classification.
Comment: This sequence change replaces alanine, which is neutral and non-polar, with threonine, which is neutral and polar, at codon 1067 of the CFTR protein (p.Ala1067Thr). This variant is present in population databases (rs121909020, gnomAD 0.0009%). This missense change has been observed in individual(s) with cystic fibrosis and pancreatic insufficiency and in an individual with congenital bilateral aplasia of vas deferens, both of whom also were found to have a p.Phe508del variant in CFTR. In at least one instance, this variant has been reported to occur on the same chromosome as p.Phe508del (PMID: 1284639, 10200050). ClinVar contains an entry for this variant (Variation ID: 7159). Invitae Evidence Modeling of protein sequence and biophysical properties (such as structural, functional, and spatial information, amino acid conservation, physicochemical variation, residue mobility, and thermodynamic stability) indicates that this missense variant is expected to disrupt CFTR protein function with a positive predictive value of 80%. Experimental studies have shown that this missense change affects CFTR function (PMID: 8662892, 8702904, 11242048, 23891399, 28003367). This variant disrupts the p.Phe508 amino acid residue in CFTR. Other variant(s) that disrupt this residue have been determined to be pathogenic (PMID: 1284639, 10200050). This suggests that this residue is clinically significant, and that variants that disrupt this residue are likely to be disease-causing. In summary, the available evidence is currently insufficient to determine the role of this variant in disease. Therefore, it has been classified as a Variant of Uncertain Significance.

PreventionGenetics, part of Exact Sciences
Classification: Uncertain significance for CFTR-related condition. Last evaluated: 2025-08-22. Review status: criteria provided, single submitter. Criteria: ACMG Guidelines, 2015. Collection method: clinical testing. Allele origin: germline. Not counted in ClinVar's aggregate classification.
Comment: The CFTR c.3199G>A variant is predicted to result in the amino acid substitution p.Ala1067Thr. This variant has been reported in individuals with cystic fibrosis or congenital bilateral absence of the vas deferens (CBAVD); however, it has been reported in cis with CFTR p.Phe508del in multiple individuals (see, for example: Férec et al. 1992. PubMed ID: 1284639; de Meeus et al. 1998. PubMed ID: 10200050; Raraigh et al. 2022. PubMed ID: 34782259). Experimental studies indicate this variant leads to mildly decreased protein and impacts protein function (see, for example: Seibert et al. 1996. PubMed ID: 8662892; Van Goor et al. 2014. PubMed ID: 23891399; Table S1, Bihler et al. 2024. PubMed ID: 38388235). In vitro experimental studies also suggest this variant has a quantifiable response to treatment with a CFTR modulator combination (Table S1, Bihler et al. 2024. PubMed ID: 38388235). This variant is reported in 0.00088% of alleles in individuals of European (non-Finnish) descent in gnomAD. Another missense variant affecting the same amino acid (p.Ala1067Val) has been reported in individuals with cystic fibrosis (Costes et al. 1993. PubMed ID: 7689902). At this time, the clinical significance of this variant is uncertain due to the absence of conclusive functional and genetic evidence.

Women's Health and Genetics/Laboratory Corporation of America, LabCorp
Classification: Uncertain significance. Last evaluated: 2025-03-18. Review status: criteria provided, single submitter. Criteria: LabCorp Variant Classification Summary - May 2015. Collection method: clinical testing. Allele origin: germline. Not counted in ClinVar's aggregate classification.
Comment: Variant summary: CFTR c.3199G>A (p.Ala1067Thr) results in a non-conservative amino acid change located in the ABC transporter type 1, transmembrane domain (IPR011527) of the encoded protein sequence. Five of five in-silico tools predict a damaging effect of the variant on protein function. The variant allele was found at a frequency of 4e-06 in 250886 control chromosomes. c.3199G>A has been reported in the literature in an individual affected with Cystic Fibrosis who had F508del in trans (Ferec_1992). In other patients with Cystic Fibrosis or CBAVD, the variant was found in cis with p.F508del (e.g. Culard_1994, de Meeus_1998, Claustres_2017, Raraigh_2022). These data do not allow any conclusion about variant significance. Publications report experimental evidence evaluating an impact on protein function (Cotten_1996, Seibert_1996, van Goor_2014), finding that the variant results in reduced mature CFTR protein and impaired channel function (VanGoor_2014, Seibert_1996b, Cotten_1996, Bihler_2024). The following publications have been ascertained in the context of this evaluation (PMID: 28603918, 8702904, 7513294, 1284639, 34782259, 8662892, 23891399, 10200050, 38388235). ClinVar contains an entry for this variant (Variation ID: 7159). Based on the evidence outlined above, the variant was classified as VUS-possibly pathogenic.

GeneDx
Classification: Uncertain significance. Last evaluated: 2025-02-28. Review status: criteria provided, single submitter. Criteria: GeneDx Variant Classification Process June 2021. Collection method: clinical testing. Allele origin: germline. Affected: yes. Not counted in ClinVar's aggregate classification.
Comment: Published functional studies demonstrate a damaging effect on bicarbonate transport (PMID: 11242048). Functional studies regarding chloride conductance demonstrate a reduction in chloride transport, though not significant and nor as severe as CF controls. (PMID: 23891399, 38388235, 28003367, 8662892); Published and internal data suggests p.A1067T and p.F508del are present on the same allele (in cis) in multiple unrelated individuals (PMID: 7513294, 10200050, 34782259); In silico analysis supports that this missense variant has a deleterious effect on protein structure/function; Not observed at significant frequency in large population cohorts (gnomAD); This variant is associated with the following publications: (PMID: 23891399, 30561903, 28003367, 8702904, 8662892, 10923036, 39074961, 37278544, 7543317, 7529319, 7513294, 1284534, 7517264, 34782259, 36517903, 28603918, 10200050, 9239681, 38388235, 1284639, 11242048)

Quest Diagnostics Nichols Institute San Juan Capistrano
Classification: Uncertain significance. Last evaluated: 2024-06-19. Review status: criteria provided, single submitter. Criteria: Quest Diagnostics criteria. Collection method: clinical testing. Allele origin: unknown. Not counted in ClinVar's aggregate classification.
Comment: This variant has been observed in additional cohorts with CF (PMIDs: 34782259 (2021), 7529319 (1994)) or congenital absence of the vas deferens (CBAVD) (PMIDs: 10923036 (2000), 9239681 (1996)). In multiple individuals with CBAVD, this variant occurred on the same chromosome as the c.1521_1523del (p.Phe508del or Delta F508) CF pathogenic variant (PMIDs: 28603918 (2017), 10200050 (1998), 7513294 (1994)). Experimental studies indicate the c.3199G>A (p.Ala1067Thr) variant has deleterious effects on CFTR function (PMIDs: 23891399 (2014), 11242048 (2001), 8702904 (1996), 8662892 (1996)). The frequency of this variant in the general population, 0.000004 (1/250886 chromosomes (Genome Aggregation Database)), is uninformative in the assessment of its pathogenicity. Based on the available information, we are unable to determine the clinical significance of this variant.

Ambry Genetics
Classification: Uncertain significance for Cystic fibrosis. Last evaluated: 2023-01-04. Review status: criteria provided, single submitter. Criteria: Ambry Variant Classification Scheme 2023. Collection method: clinical testing. Allele origin: germline. Not counted in ClinVar's aggregate classification.
Comment: The p.A1067T variant (also known as c.3199G>A), located in coding exon 20 of the CFTR gene, results from a G to A substitution at nucleotide position 3199. The alanine at codon 1067 is replaced by threonine, an amino acid with similar properties. This variant was originally reported to be in trans with p.F508del in a child with cystic fibrosis (F&eacute;rec C et al. Nat. Genet., 1992 Jun;1:188-91). Multiple studies demonstrated that this variant impairs CFTR maturation and function (Cotten JF et al. J. Biol. Chem., 1996 Aug;271:21279-84; Seibert FS et al. J. Biol. Chem., 1996 Jun;271:15139-45; Van Goor F et al. J. Cyst. Fibros., 2014 Jan;13:29-36). However, p.A1067T has never been observed in isolation and always co-occurred with p.F508del, and segregation analysis determined that the two variants are in cis and form a complex allele, p.[F508del;A1067T] (Culard JF et al. Hum. Genet., 1994 Apr;93:467-70; de Meeus A et al. Hum. Mutat., 1998;11:480; Claustres M et al. Hum Mutat, 2017 10;38:1297-1315; Ambry internal data). This amino acid position is highly conserved in available vertebrate species. In addition, this alteration is predicted to be deleterious by in silico analysis. Since supporting evidence is limited at this time, the clinical significance of this alteration remains unclear.

Eurofins Ntd Llc (ga)
Classification: Uncertain significance. Last evaluated: 2013-04-16. Review status: criteria provided, single submitter. Criteria: EGL Classification Definitions 2015. Collection method: clinical testing. Allele origin: germline. Observed: 1 variant allele, 1 heterozygote. Not counted in ClinVar's aggregate classification.

Natera, Inc.
Classification: Likely pathogenic for CFTR-related disorders. Last evaluated: 2021-03-05. Review status: no assertion criteria provided. Collection method: clinical testing. Allele origin: germline. Not counted in ClinVar's aggregate classification.

OMIM
Classification: Pathogenic for CYSTIC FIBROSIS. Last evaluated: 1992-06-01. Review status: no assertion criteria provided. Collection method: literature only. Allele origin: germline. Not counted in ClinVar's aggregate classification.

Literature cited by the submitters: PubMed 23891399 (cited by 5 submitters); PubMed 1284639 (cited by 5 submitters); PubMed 10200050 (cited by 4 submitters); PubMed 8662892 (cited by 4 submitters); PubMed 8702904 (cited by 4 submitters); PubMed 11242048 (cited by Labcorp Genetics (formerly Invitae), Labcorp and Quest Diagnostics Nichols Institute San Juan Capistrano); PubMed 28003367 (cited by Labcorp Genetics (formerly Invitae), Labcorp); PubMed 7513294 (cited by 3 submitters); PubMed 28603918 (cited by 3 submitters); PubMed 34782259 (cited by Women's Health and Genetics/Laboratory Corporation of America, LabCorp and Quest Diagnostics Nichols Institute San Juan Capistrano); PubMed 38388235 (cited by Women's Health and Genetics/Laboratory Corporation of America, LabCorp); PubMed 10923036 (cited by Quest Diagnostics Nichols Institute San Juan Capistrano); PubMed 1284534 (cited by Quest Diagnostics Nichols Institute San Juan Capistrano); PubMed 7517264 (cited by Quest Diagnostics Nichols Institute San Juan Capistrano); PubMed 7529319 (cited by Quest Diagnostics Nichols Institute San Juan Capistrano); PubMed 7543317 (cited by Quest Diagnostics Nichols Institute San Juan Capistrano and Ambry Genetics); PubMed 9239681 (cited by Quest Diagnostics Nichols Institute San Juan Capistrano); PubMed 30561903 (cited by Ambry Genetics).